The following is an entry in ClinVar:

NM_000312.4(PROC):c.789del (p.Arg264fs)

Gene: PROC (protein C, inactivator of coagulation factors Va and VIIIa; plus strand). Cytogenetic location: 2q14.3.
Variant type: Deletion.
Coding change: c.789del on transcript NM_000312.4 (MANE Select); coding-DNA position 789, one base deleted (C; older notation c.789delC).
Protein change: p.Arg264fs; shifts the reading frame from arginine 264.
Molecular consequence: frameshift variant.
Genome position (GRCh38, 1-based): chr2:127,427,215, C deleted. VCF-style (leftmost placement, unchanged base first): chr2-127427214-TC-T. GRCh37 (hg19) VCF-style: chr2-128184790-TC-T.
Other names: p.Arg264Glyfs*52; c.789delC, p.Arg264Glyfs (NM_000312.3); c.972del, p.Arg325fs (NM_001375602.1); c.954del, p.Arg319fs (NM_001375603.1); c.852del, p.Arg285fs (NM_001375604.1); c.891del, p.Arg298fs (NM_001375605.1); c.957del, p.Arg320fs (NM_001375606.1); c.975del, p.Arg326fs (NM_001375607.1); and 4 more; short protein forms R245fs, R256fs, R262fs, R264fs, R285fs, R298fs, R319fs, R320fs.
Identifiers: ClinVar variation 3380950 (VCV003380950.1).

ClinVar aggregate classification (germline): Likely pathogenic (1 of 4 stars; one submission).

Submission:

Mayo Clinic Laboratories, Mayo Clinic
Classification: Likely pathogenic. Last evaluated: 2024-02-21. Review status: criteria provided, single submitter. Criteria: ACMG Guidelines, 2015. Collection method: clinical testing. Allele origin: germline. Observed: 1 variant allele.
Comment: PM2_moderate, PVS1